The following is an entry in ClinVar:

ClinVar aggregate classification (germline): Likely benign. Review status: criteria provided, multiple submitters, no conflicts (2 of 4 stars). 3 submissions from 3 submitters: Likely benign (3). Last evaluated 2026-03-19.

Conditions:
Cardiovascular phenotype. Identifiers: MedGen CN230736.
Hypercholesterolemia, autosomal dominant, type B (FHCL2). Also called: Familial Hypercholesterolemia Type B; Familial hypercholesterolemia 2; APOLIPOPROTEIN B-100, FAMILIAL DEFECTIVE; APOLIPOPROTEIN B-100, FAMILIAL LIGAND-DEFECTIVE; HYPERCHOLESTEROLEMIA, FAMILIAL, DUE TO LIGAND-DEFECTIVE APOLIPOPROTEIN B; APOB-Related Familial Hypercholesterolemia, Autosomal Dominant. Identifiers: MedGen C1704417, MONDO:0007751, OMIM 144010.
Familial hypobetalipoproteinemia 1. Also called: APOB-Related Familial Hypobetalipoproteinemia; Hypobetalipoproteinemia, normotriglyceridemic; Acanthocytosis with hypobetalipoproteinemia. Identifiers: MedGen C4551990, MONDO:0014252, OMIM 615558.
Familial hypercholesterolemia. Also called: Familial hypercholesterolemias; Familial hypercholesterolaemia. Identifiers: MedGen C0020445, MONDO:0005439.

Allele frequency attached by ClinVar (database versions not stated): gnomAD exomes 0.00001; TOPMed 0.00001; ExAC 0.00002; gnomAD 0.00003.
gnomAD v4.1: 19 of 1,614,046 alleles (0.0012%); highest among the groups gnomAD compares: Non-Finnish European, 0.0015%; no homozygotes.

Submissions (3):

GENinCode PLC
Classification: Likely benign for Familial hypercholesterolemia. Last evaluated: 2026-03-19. Review status: criteria provided, single submitter. Criteria: ACMG Guidelines, 2015. Collection method: clinical testing. Allele origin: germline.
Comment: This is a synonymous (silent) variant that is not predicted to impact splicing and occurs at a nucleotide which is not highly conserved. This variant has been classified as Likely Benign (BP4, BP7).

Labcorp Genetics (formerly Invitae), Labcorp
Classification: Likely benign for Familial hypobetalipoproteinemia 1; Hypercholesterolemia, autosomal dominant, type B. Last evaluated: 2025-12-22. Review status: criteria provided, single submitter. Criteria: Invitae Variant Classification Sherloc (09022015). Collection method: clinical testing. Allele origin: germline.

Ambry Genetics
Classification: Likely benign for Cardiovascular phenotype. Last evaluated: 2020-09-20. Review status: criteria provided, single submitter. Criteria: Ambry Variant Classification Scheme 2023. Collection method: clinical testing. Allele origin: germline.

NM_000384.3(APOB):c.5856T>C (p.His1952=)

Gene: APOB (apolipoprotein B; minus strand). Cytogenetic location: 2p24.1.
Variant type: single nucleotide variant.
Coding change: c.5856T>C on transcript NM_000384.3 (MANE Select); coding-DNA position 5856, T replaced by C.
Protein change: p.His1952=; no amino-acid change (histidine 1952 retained).
Molecular consequence: synonymous variant.
Genome position (GRCh38, 1-based): chr2:21,011,012, A>G on the plus strand (T>C on the coding strand, the complement: APOB is on the minus strand). VCF-style: chr2-21011012-A-G. GRCh37 (hg19) VCF-style: chr2-21233884-A-G.
Identifiers: ClinVar variation 630294 (VCV000630294.17), dbSNP rs753318763, ClinGen allele CA062554.
Genomic context (GRCh38, chr2:21,011,012, plus strand): 5'-AAGCAGGGCACTGACTTTGTGTTCAAGAGCTGCACTGATGCTTTTCCTAGACACGAGATG[A>G]TGACTTGTGGAGCCTTTGTAATCATGAGAGAAAGTAAATGCCAGAGGTTCTGCTTTCAAC-3'
Protein context (NP_000375.3, residues 1942-1962): FSHDYKGSTS[His1952=]HLVSRKSISA